The following is an entry in ClinVar:

NM_001354930.2(RIPK1):c.496A>G (p.Ser166Gly)

Gene: RIPK1 (receptor interacting serine/threonine kinase 1; plus strand). Cytogenetic location: 6p25.2.
Variant type: single nucleotide variant.
Coding change: c.496A>G on transcript NM_001354930.2 (MANE Select); coding-DNA position 496, A replaced by G.
Protein change: p.Ser166Gly; replaces serine 166 with glycine.
Molecular consequence: missense variant.
Genome position (GRCh38, 1-based): chr6:3,083,121, A>G. VCF-style: chr6-3083121-A-G. GRCh37 (hg19) VCF-style: chr6-3083355-A-G.
Other names: c.7A>G, p.Ser3Gly (NM_001317061.3, NM_001354932.2, NM_001354933.2 and 1 more transcripts); c.358A>G, p.Ser120Gly (NM_001354931.2); c.496A>G, p.Ser166Gly (NM_003804.6); short protein forms S120G, S3G, S166G.
Identifiers: ClinVar variation 3695367 (VCV003695367.2).

ClinVar aggregate classification (germline): Uncertain significance (1 of 4 stars; one submission).

Submission:

Labcorp Genetics (formerly Invitae), Labcorp
Classification: Uncertain significance. Last evaluated: 2025-04-02. Review status: criteria provided, single submitter. Criteria: Invitae Variant Classification Sherloc (09022015). Collection method: clinical testing. Allele origin: germline.
Comment: This sequence change replaces serine, which is neutral and polar, with glycine, which is neutral and non-polar, at codon 166 of the RIPK1 protein (p.Ser166Gly). This variant is not present in population databases (gnomAD no frequency). This variant has not been reported in the literature in individuals affected with RIPK1-related conditions. ClinVar contains an entry for this variant (Variation ID: 3695367). An algorithm developed to predict the effect of missense changes on protein structure and function (PolyPhen-2) suggests that this variant is likely to be disruptive. In summary, the available evidence is currently insufficient to determine the role of this variant in disease. Therefore, it has been classified as a Variant of Uncertain Significance.